The following is an entry in ClinVar:

NM_000232.5(SGCB):c.87_89del (p.Arg30del)

Gene: SGCB (sarcoglycan beta; minus strand). Cytogenetic location: 4q12.
Variant type: Deletion.
Coding change: c.87_89del on transcript NM_000232.5 (MANE Select); coding-DNA positions 87 to 89, 3 bases deleted (AAG; older notation c.87_89delAAG).
Protein change: p.Arg30del; deletes arginine 30.
Molecular consequence: inframe deletion.
Genome position (GRCh38, 1-based): chr4:52,033,585-52,033,587, CTT deleted on the plus strand (AAG on the coding strand, the reverse complement: SGCB is on the minus strand); deleting any 3 consecutive bases within chr4:52,033,585-52,033,589 gives the same sequence; the c. name uses the placement nearest the transcript's 3' end. VCF-style (leftmost placement, unchanged base first): chr4-52033584-CCTT-C. GRCh37 (hg19) VCF-style: chr4-52899750-CCTT-C.
Other names: short protein forms R30del.
Identifiers: ClinVar variation 1011323 (VCV001011323.18), dbSNP rs780654411, ClinGen allele CA2918506.
Genomic context (GRCh38, chr4:52,033,584, plus strand): 5'-ATCTTCATCAATCGGAATGTATCCAGCTTTAAAGTTACTGTTGTGCTCTTTATTGACACT[CCTT>C]CTCTCAACAGCCTTCTCACGCATGGACTTCTTTACAGGACCATTGGAACTTTGCTAAAAA-3'

ClinVar aggregate classification (germline): Conflicting classifications of pathogenicity. Review status: criteria provided, conflicting classifications (1 of 4 stars). 5 submissions from 5 submitters: Pathogenic (1); Uncertain significance (3). 1 of the submissions does not count toward it. Last evaluated 2022-08-16.

Conditions:
Autosomal recessive limb-girdle muscular dystrophy type 2E (LGMDR4). Also called: MUSCULAR DYSTROPHY, LIMB-GIRDLE, AUTOSOMAL RECESSIVE 4. Identifiers: Orphanet 119, MedGen C1858593, MONDO:0011423, OMIM 604286. Disease mechanism: Affects gamma-sarcoglycan and also disrupts the integrity of the entire sarcoglycan complex..

Submissions (5):

Labcorp Genetics (formerly Invitae), Labcorp
Classification: Uncertain significance for Autosomal recessive limb-girdle muscular dystrophy type 2E. Last evaluated: 2022-08-16. Review status: criteria provided, single submitter. Criteria: Invitae Variant Classification Sherloc (09022015). Collection method: clinical testing. Allele origin: germline.
Comment: This variant, c.87_89del, results in the deletion of 1 amino acid(s) of the SGCB protein (p.Arg30del), but otherwise preserves the integrity of the reading frame. This variant is present in population databases (rs780654411, gnomAD 0.004%). This variant has been observed in individual(s) with neuromuscular abnormalities (PMID: 34008892). ClinVar contains an entry for this variant (Variation ID: 1011323). Experimental studies and prediction algorithms are not available or were not evaluated, and the functional significance of this variant is currently unknown. In summary, the available evidence is currently insufficient to determine the role of this variant in disease. Therefore, it has been classified as a Variant of Uncertain Significance.

GeneDx
Classification: Uncertain significance. Last evaluated: 2022-07-05. Review status: criteria provided, single submitter. Criteria: GeneDx Variant Classification Process June 2021. Collection method: clinical testing. Allele origin: germline. Affected: yes.
Comment: Reported previously as a pathogenic variant on the opposite allele (in trans) with a second pathogenic variant in a patient with a neuromuscular abnormality; however, no further clinical information was provided (Marinakis et al.; 2021); Not observed at significant frequency in large population cohorts (gnomAD); In-frame deletion of 1 amino acid in a non-repeat region; In silico analysis supports a deleterious effect on protein structure/function; This variant is associated with the following publications: (PMID: 34008892)

Laboratory of Medical Genetics, National & Kapodistrian University of Athens
Classification: Pathogenic for Autosomal recessive limb-girdle muscular dystrophy type 2E. Last evaluated: 2021-10-01. Review status: criteria provided, single submitter. Criteria: ACMG Guidelines, 2015. Collection method: clinical testing. Allele origin: unknown. Affected: yes.
Comment: PM2, PM3, PM4, PP4, PP5

Revvity Omics, Revvity
Classification: Uncertain significance for Autosomal recessive limb-girdle muscular dystrophy type 2E. Last evaluated: 2021-05-21. Review status: criteria provided, single submitter. Criteria: ACMG Guidelines, 2015. Collection method: clinical testing. Allele origin: germline.

Natera, Inc.
Classification: Uncertain significance for Limb-girdle muscular dystrophy type 2E. Last evaluated: 2020-03-11. Review status: no assertion criteria provided. Collection method: clinical testing. Allele origin: germline. Not counted in ClinVar's aggregate classification.

Literature cited by the submitters: PubMed 34008892 (cited by Labcorp Genetics (formerly Invitae), Labcorp and Laboratory of Medical Genetics, National & Kapodistrian University of Athens).